The following is an entry in ClinVar:

ClinVar aggregate classification (germline): Uncertain significance (1 of 4 stars; one submission).

Allele frequency attached by ClinVar (database versions not stated): gnomAD exomes below 0.00001.
gnomAD v4.1: 1 of 1,550,464 alleles (0.000064%); highest among the groups gnomAD compares: Admixed American, 0.0019%; no homozygotes.

Submission:

CeGaT Center for Human Genetics Tuebingen
Classification: Uncertain significance. Last evaluated: 2024-01-01. Review status: criteria provided, single submitter. Criteria: CeGaT Center For Human Genetics Tuebingen Variant Classification Criteria Version 2. Collection method: clinical testing. Allele origin: germline. Affected: yes. Observed: 1 variant allele.
Comment: TRIO: PM2

NM_007118.4(TRIO):c.7331T>C (p.Leu2444Pro)

Gene: TRIO (trio Rho guanine nucleotide exchange factor; plus strand). Cytogenetic location: 5p15.2.
Variant type: single nucleotide variant.
Coding change: c.7331T>C on transcript NM_007118.4 (MANE Select); coding-DNA position 7331, T replaced by C.
Protein change: p.Leu2444Pro; replaces leucine 2444 with proline.
Molecular consequence: missense variant.
Genome position (GRCh38, 1-based): chr5:14,487,959, T>C. VCF-style: chr5-14487959-T-C. GRCh37 (hg19) VCF-style: chr5-14488068-T-C.
Other names: short protein forms L2444P.
Identifiers: ClinVar variation 3026932 (VCV003026932.22), dbSNP rs1439606868, ClinGen allele CA359237266.